The following is an entry in ClinVar:

NM_000540.3(RYR1):c.10904G>A (p.Cys3635Tyr)

Gene: RYR1 (ryanodine receptor 1; plus strand). Cytogenetic location: 19q13.2.
Variant type: single nucleotide variant.
Coding change: c.10904G>A on transcript NM_000540.3 (MANE Select); coding-DNA position 10904, G replaced by A.
Protein change: p.Cys3635Tyr; replaces cysteine 3635 with tyrosine.
Molecular consequence: missense variant.
Genome position (GRCh38, 1-based): chr19:38,528,385, G>A. VCF-style: chr19-38528385-G-A. GRCh37 (hg19) VCF-style: chr19-39019025-G-A.
Other names: c.10889G>A, p.Cys3630Tyr (NM_001042723.2); short protein forms C3635Y, C3630Y.
Identifiers: ClinVar variation 1896887 (VCV001896887.6), dbSNP rs1224063497, ClinGen allele CA080087.

ClinVar aggregate classification (germline): Uncertain significance. Review status: criteria provided, multiple submitters, no conflicts (2 of 4 stars). 2 submissions from 2 submitters: Uncertain significance (2). Last evaluated 2023-12-01.

Conditions:
Malignant hyperthermia, susceptibility to, 1 (MHS1). Also called: Anesthesia related hyperthermia; Malignant hyperpyrexia; Fulminating hyperpyrexia; Pharmacogenic myopathy; RYR1-Related Malignant Hyperthermia Susceptibility; Malignant hyperthermia suceptibility 1. Identifiers: Orphanet 423, MedGen C2930980, MONDO:0007783, OMIM 145600.
RYR1-related disorder. Also called: RYR1-related disorders; RYR1-related condition. Identifiers: MedGen CN239331.

Allele frequency attached by ClinVar (database versions not stated): gnomAD exomes below 0.00001.
gnomAD v4.1: 1 of 1,614,190 alleles (0.000062%); highest among the groups gnomAD compares: Admixed American, 0.0017%; no homozygotes.

Submissions (2):

All of Us Research Program, National Institutes of Health
Classification: Uncertain significance for Malignant hyperthermia, susceptibility to, 1. Last evaluated: 2023-12-01. Review status: criteria provided, single submitter. Criteria: ACMG Guidelines, 2015. Collection method: clinical testing. Allele origin: germline. Inheritance: Autosomal dominant inheritance. Observed: 1 variant allele, 1 heterozygote.
Comment: This study involves interpretation of variants in research participants for the purpose of population health screening. Participant phenotype was not available at the time of variant classification. Additional details can be found in publication PMID: 35346344, PMCID: PMC8962531

Labcorp Genetics (formerly Invitae), Labcorp
Classification: Uncertain significance for RYR1-related disorder. Last evaluated: 2022-06-10. Review status: criteria provided, single submitter. Criteria: Invitae Variant Classification Sherloc (09022015). Collection method: clinical testing. Allele origin: germline.
Comment: This sequence change replaces cysteine, which is neutral and slightly polar, with tyrosine, which is neutral and polar, at codon 3635 of the RYR1 protein (p.Cys3635Tyr). In summary, the available evidence is currently insufficient to determine the role of this variant in disease. Therefore, it has been classified as a Variant of Uncertain Significance. Advanced modeling of protein sequence and biophysical properties (such as structural, functional, and spatial information, amino acid conservation, physicochemical variation, residue mobility, and thermodynamic stability) performed at Invitae indicates that this missense variant is expected to disrupt RYR1 protein function. This variant has not been reported in the literature in individuals affected with RYR1-related conditions. This variant is present in population databases (no rsID available, gnomAD 0.003%).